The following is an entry in ClinVar:

ClinVar aggregate classification (germline): Uncertain significance (1 of 4 stars; one submission).

Allele frequency attached by ClinVar (database versions not stated): gnomAD 0.00001; gnomAD exomes 0.00001; ExAC 0.00002.
gnomAD v4.1: 13 of 1,614,060 alleles (0.00081%); highest among the groups gnomAD compares: Middle Eastern, 0.016%; no homozygotes.

Submission:

Labcorp Genetics (formerly Invitae), Labcorp
Classification: Uncertain significance. Last evaluated: 2022-07-11. Review status: criteria provided, single submitter. Criteria: Invitae Variant Classification Sherloc (09022015). Collection method: clinical testing. Allele origin: germline.
Comment: In summary, the available evidence is currently insufficient to determine the role of this variant in disease. Therefore, it has been classified as a Variant of Uncertain Significance. Algorithms developed to predict the effect of missense changes on protein structure and function are either unavailable or do not agree on the potential impact of this missense change (SIFT: "Deleterious"; PolyPhen-2: "Benign"; Align-GVGD: "Class C0"). This variant has not been reported in the literature in individuals affected with CDC45-related conditions. This variant is present in population databases (rs755822745, gnomAD 0.02%). This sequence change replaces serine, which is neutral and polar, with threonine, which is neutral and polar, at codon 464 of the CDC45 protein (p.Ser464Thr).

NM_003504.5(CDC45):c.1295G>C (p.Ser432Thr)

Gene: CDC45 (cell division cycle 45; plus strand). Cytogenetic location: 22q11.21.
Variant type: single nucleotide variant.
Coding change: c.1295G>C on transcript NM_003504.5 (MANE Select); coding-DNA position 1295, G replaced by C.
Protein change: p.Ser432Thr; replaces serine 432 with threonine.
Molecular consequence: missense variant.
Genome position (GRCh38, 1-based): chr22:19,514,826, G>C. VCF-style: chr22-19514826-G-C. GRCh37 (hg19) VCF-style: chr22-19502349-G-C.
Other names: c.1391G>C, p.Ser464Thr (NM_001178010.2); c.1157G>C, p.Ser386Thr (NM_001178011.2); c.1259G>C, p.Ser420Thr (NM_001369291.1); short protein forms S420T, S386T, S432T, S464T.
Identifiers: ClinVar variation 1919388 (VCV001919388.3), dbSNP rs755822745, ClinGen allele CA10101393.